The following is an entry in ClinVar:

ClinVar aggregate classification (germline): Uncertain significance (1 of 4 stars; one submission).

Conditions:
STT3B-congenital disorder of glycosylation. Also called: STT3B-CDG; CDG Ix; Congenital disorder of glycosylation type 1x. Identifiers: Orphanet 370924, MedGen C2931007, MONDO:0014271, OMIM 615597.

Submission:

Labcorp Genetics (formerly Invitae), Labcorp
Classification: Uncertain significance for STT3B-congenital disorder of glycosylation. Last evaluated: 2024-09-06. Review status: criteria provided, single submitter. Criteria: Invitae Variant Classification Sherloc (09022015). Collection method: clinical testing. Allele origin: germline.
Comment: This sequence change replaces alanine, which is neutral and non-polar, with threonine, which is neutral and polar, at codon 201 of the STT3B protein (p.Ala201Thr). This variant is not present in population databases (gnomAD no frequency). This variant has not been reported in the literature in individuals affected with STT3B-related conditions. Invitae Evidence Modeling of protein sequence and biophysical properties (such as structural, functional, and spatial information, amino acid conservation, physicochemical variation, residue mobility, and thermodynamic stability) indicates that this missense variant is not expected to disrupt STT3B protein function with a negative predictive value of 80%. In summary, the available evidence is currently insufficient to determine the role of this variant in disease. Therefore, it has been classified as a Variant of Uncertain Significance.

NM_178862.3(STT3B):c.601G>A (p.Ala201Thr)

Gene: STT3B (STT3 oligosaccharyltransferase complex catalytic subunit B; plus strand). Cytogenetic location: 3p23.
Variant type: single nucleotide variant.
Coding change: c.601G>A on transcript NM_178862.3 (MANE Select); coding-DNA position 601, G replaced by A.
Protein change: p.Ala201Thr; replaces alanine 201 with threonine.
Molecular consequence: missense variant.
Genome position (GRCh38, 1-based): chr3:31,579,986, G>A. VCF-style: chr3-31579986-G-A. GRCh37 (hg19) VCF-style: chr3-31621478-G-A.
Other names: short protein forms A201T.
Identifiers: ClinVar variation 2695561 (VCV002695561.3), dbSNP rs1698348012, ClinGen allele CA351815089.